The following is an entry in ClinVar:

NM_000158.4(GBE1):c.721A>G (p.Met241Val)

Gene: GBE1 (1,4-alpha-glucan branching enzyme 1; minus strand). Cytogenetic location: 3p12.2.
Variant type: single nucleotide variant.
Coding change: c.721A>G on transcript NM_000158.4 (MANE Select); coding-DNA position 721, A replaced by G.
Protein change: p.Met241Val; replaces methionine 241 with valine.
Molecular consequence: missense variant.
Genome position (GRCh38, 1-based): chr3:81,646,453, T>C on the plus strand (A>G on the coding strand, the complement: GBE1 is on the minus strand). VCF-style: chr3-81646453-T-C. GRCh37 (hg19) VCF-style: chr3-81695604-T-C.
Other names: NM_000158.4(GBE1):c.721A>G; p.Met241Val; short protein forms M241V.
Identifiers: ClinVar variation 346793 (VCV000346793.18), dbSNP rs747155575, ClinGen allele CA2499874.

ClinVar aggregate classification (germline): Conflicting classifications of pathogenicity. Review status: criteria provided, conflicting classifications (1 of 4 stars). 10 submissions from 9 submitters: Likely pathogenic (5); Uncertain significance (5). Last evaluated 2025-12-01.

Conditions:
GBE1-related disorder. Also called: GBE1-related condition; GBE1-related disorders. Identifiers: MedGen CN239402.
Glycogen storage disease, type IV (GSD4). Also called: AMYLOPECTINOSIS; ANDERSEN DISEASE; BRANCHER DEFICIENCY; CIRRHOSIS, FAMILIAL, WITH DEPOSITION OF ABNORMAL GLYCOGEN; GBE1 DEFICIENCY; GLYCOGEN BRANCHING ENZYME DEFICIENCY. Identifiers: Orphanet 367, MedGen C0017923, MONDO:0009292, OMIM 232500.
Adult polyglucosan body disease (APBN). Also called: GBE1-Adult Polyglucosan Body Disease; POLYGLUCOSAN BODY DISEASE, ADULT FORM. Identifiers: Orphanet 206583, MedGen C1849722, MONDO:0009897, OMIM 263570.
Glycogen storage disease IV, classic hepatic. Also called: GSD IV, CLASSIC HEPATIC. Identifiers: MedGen C1856301.
Arthrogryposis syndrome. Identifiers: Orphanet 109007, MedGen CN261653, MONDO:0015225.

Allele frequency attached by ClinVar (database versions not stated): gnomAD 0.00001; ExAC 0.00002; gnomAD exomes 0.00003 and 0.00008; TOPMed 0.00003.
gnomAD v4.1: 113 of 1,604,304 alleles (0.007%); highest among the groups gnomAD compares: Non-Finnish European, 0.0094%; no homozygotes.

Submissions (10):

GeneDx
Classification: Uncertain significance. Last evaluated: 2025-12-01. Review status: criteria provided, single submitter. Criteria: GeneDx Variant Classification Process June 2021. Collection method: clinical testing. Allele origin: germline.
Comment: Observed with a second GBE1 variant, phase unknown, in a patient with failure to thrive, hypotonia, global delay, microcephaly, and dystonia in published literature (PMID: 33879512); Not observed at significant frequency in large population cohorts (gnomAD); In silico analysis supports that this missense variant has a deleterious effect on protein structure/function; This variant is associated with the following publications: (PMID: 33879512)

Victorian Clinical Genetics Services, Murdoch Childrens Research Institute
Classification: Likely pathogenic for Glycogen storage disease, type IV. Last evaluated: 2025-11-09. Review status: criteria provided, single submitter. Criteria: ACMG Guidelines, 2015. Collection method: clinical testing. Allele origin: germline. Affected: yes.
Comment: This variant is classified as Likely pathogenic. Evidence in support of pathogenic classification: Variant is present in gnomAD <0.01 for a recessive condition (v4: 113 heterozygote(s), 0 homozygote(s)); This variant has moderate previous evidence of pathogenicity in unrelated individuals. This variant has been classified as likely pathogenic and as a VUS by clinical laboratories in ClinVar, and observed in a compound heterozygous state in at least two individuals with GBE1-related features (VCGS internal data; ClinVar). In addition, this variant has been reported in the literature in a heterozygous state in an individual with GBE1-related features. A second pathogenic variant in GBE1 was also identified, however, phasing of the variants was not confirmed (PMID: 33879512); Missense variant predicted to be damaging by in silico tool(s) or highly conserved with a major amino acid change; Heterozygous variant detected in trans with a PATHOGENIC heterozygous variant (NM_000158.4(GBE1):c.691+2T>C) in a recessive disease. Additional information: Variant is predicted to result in a missense amino acid change from Met to Val; This variant is heterozygous; This gene is associated with autosomal recessive disease; Alternative amino acid change(s) at the same position are present in gnomAD (highest allele count: v4: 3 heterozygote(s), 0 homozygote(s)); No published evidence of segregation with disease has been identified for this variant; No published functional evidence has been identified for this variant; No comparable missense variants have previous evidence for pathogenicity; Variant is located in the annotated alpha amylase, catalytic domain (DECIPHER); Loss of function is a known mechanism of disease in this gene and is associated with glycogen storage disease due to glycogen branching enzyme deficiency (MONDO:0009292).

Labcorp Genetics (formerly Invitae), Labcorp
Classification: Uncertain significance for Glycogen storage disease, type IV; Glycogen storage disease IV, classic hepatic. Last evaluated: 2024-07-16. Review status: criteria provided, single submitter. Criteria: Invitae Variant Classification Sherloc (09022015). Collection method: clinical testing. Allele origin: germline.
Comment: This sequence change replaces methionine, which is neutral and non-polar, with valine, which is neutral and non-polar, at codon 241 of the GBE1 protein (p.Met241Val). This variant is present in population databases (rs747155575, gnomAD 0.005%). This missense change has been observed in individual(s) with GBE1-related conditions (PMID: 33879512). ClinVar contains an entry for this variant (Variation ID: 346793). Advanced modeling of protein sequence and biophysical properties (such as structural, functional, and spatial information, amino acid conservation, physicochemical variation, residue mobility, and thermodynamic stability) has been performed at Invitae for this missense variant, however the output from this modeling did not meet the statistical confidence thresholds required to predict the impact of this variant on GBE1 protein function. In summary, the available evidence is currently insufficient to determine the role of this variant in disease. Therefore, it has been classified as a Variant of Uncertain Significance.

Blueprint Genetics
Classification: Likely pathogenic for GBE1-related disorders. Last evaluated: 2023-12-18. Review status: criteria provided, single submitter. Criteria: ACMG Guidelines, 2015. Collection method: clinical testing. Allele origin: germline. Affected: yes. Observed: 5 variant alleles.

PreventionGenetics, part of Exact Sciences
Classification: Likely pathogenic for GBE1-related condition. Last evaluated: 2023-03-07. Review status: criteria provided, single submitter. Criteria: ACMG Guidelines, 2015. Collection method: clinical testing. Allele origin: germline.
Comment: The GBE1 c.721A>G variant is predicted to result in the amino acid substitution p.Met241Val. To our knowledge, this variant has not been reported in the literature. This variant is reported in 0.0054% of alleles in individuals of European (Non-Finnish) descent in gnomAD. This variant was reported in ClinVar in an individual with glycogen storage disease IV, detected in compound heterozygosity with a second pathogenic variant in GBE1. This variant is classified as likely pathogenic.

Broad Center for Mendelian Genomics, Broad Institute of MIT and Harvard
Classification: Uncertain significance for Glycogen storage disease, type IV. Last evaluated: 2022-01-27. Review status: criteria provided, single submitter. Criteria: ACMG Guidelines, 2015. Collection method: curation. Allele origin: germline. Inheritance: Autosomal recessive inheritance.
Comment: The p.Met241Val variant in GBE1 has been reported in 1 individual, in the compound heterozygous state, with glycogen storage disease type IV (GSD IV) (ClinVar Variation ID: 346793) and has been identified in 0.005% (6/110798) of European (non-Finnish) chromosomes by the Genome Aggregation Database (gnomAD; dbSNP ID: rs781198373). Although this variant has been seen in the general population in a heterozygous state, its frequency is low enough to be consistent with a recessive carrier frequency. This variant has also been reported in ClinVar (Variation ID#: 346793) and has been interpreted as likely pathogenic by Clinical Genetics laboratory (University of Goettingen). Computational prediction tools and conservation analyses suggest that this variant may impact the protein, though this information is not predictive enough to determine pathogenicity. In summary, the clinical significance of the p.Met241Val variant is uncertain. ACMG/AMP Criteria applied: PM3, PP3, PM2_supporting (Richards 2015).

Institute of Human Genetics, University of Goettingen
Classification: Likely pathogenic for Glycogen storage disease, type IV. Last evaluated: 2021-01-23. Review status: criteria provided, single submitter. Criteria: ACMG Guidelines, 2015. Collection method: clinical testing. Allele origin: maternal. Inheritance: Autosomal recessive inheritance. Affected: yes. Observed: 1 variant allele, 1 compound heterozygote.
Comment: The GBE1 variant c.721A>G (p.(Met241Val)) is found at a population frequency of 0.0029% in the gnomAD database, it affects a highly conserved nucleotide and a highly conserved amino acid and there is a small physicochemical difference between Met and Val. It is located within a protein domain and has a pathogenic computational verdict based on in silico prediction programs (M-CAP, SIFT, MutationTaster, PolyPhen-2). In our clinic this variant was found in compound-heterozygosity with the splice site variant c.691+2T>C (dbSNP: rs192044702), which is known to cause Glycogen storage disease type IV (OMIM: 232500) when in homozygous or compound heterozygous state. Thus, we consider the c.721A>G variant to be likely pathogenic. ACMG criteria used for classification: PM1, PM2, PM3, PP2, PP3.

Cambridge Genomics Laboratory, East Genomic Laboratory Hub, NHS Genomic Medicine Service
Classification: Likely pathogenic for Arthrogryposis syndrome. Last evaluated: 2019-04-17. Review status: criteria provided, single submitter. Criteria: ACGS Best Practice Guidelines for Variant Classification in Rare Disease 2020. Collection method: clinical testing. Allele origin: germline. Affected: yes. Observed: 1 variant allele.

Illumina Laboratory Services, Illumina
Classification: Uncertain significance for Adult polyglucosan body disease. Last evaluated: 2018-01-13. Review status: criteria provided, single submitter. Criteria: ICSL Variant Classification Criteria 13 December 2019. Collection method: clinical testing. Allele origin: germline.

Illumina Laboratory Services, Illumina
Classification: Uncertain significance for Glycogen storage disease, type IV. Last evaluated: 2018-01-13. Review status: criteria provided, single submitter. Criteria: ICSL Variant Classification Criteria 13 December 2019. Collection method: clinical testing. Allele origin: germline.

Literature cited by the submitters: PubMed 33879512 (cited by Victorian Clinical Genetics Services, Murdoch Childrens Research Institute and Labcorp Genetics (formerly Invitae), Labcorp).